The following is an entry in ClinVar:

ClinVar aggregate classification (germline): Uncertain significance. Review status: criteria provided, multiple submitters, no conflicts (2 of 4 stars). 2 submissions from 2 submitters: Uncertain significance (2). Last evaluated 2025-08-10.

Conditions:
Inborn genetic diseases. Identifiers: MedGen C0950123, MeSH D030342.
Sclerosteosis 2 (SOST2). Identifiers: Orphanet 3152, MedGen C3280402, MONDO:0013679, OMIM 614305.
Cenani-Lenz syndactyly syndrome. Also called: SYNDACTYLY, TYPE VII; CENANI SYNDACTYLISM. Identifiers: Orphanet 3258, MedGen C1859309, MONDO:0008931, OMIM 212780.
Congenital myasthenic syndrome 17. Identifiers: Orphanet 590, MedGen C4225377, MONDO:0014578, OMIM 616304.

Allele frequency attached by ClinVar (database versions not stated): gnomAD 0.00001; gnomAD exomes 0.00001; ExAC 0.00002; TOPMed 0.00002.
gnomAD v4.1: 16 of 1,613,998 alleles (0.00099%); highest among the groups gnomAD compares: East Asian, 0.0022%; no homozygotes.

Submissions (2):

Ambry Genetics
Classification: Uncertain significance for Inborn genetic diseases. Last evaluated: 2025-08-10. Review status: criteria provided, single submitter. Criteria: Ambry Variant Classification Scheme 2023. Collection method: clinical testing. Allele origin: germline.

Labcorp Genetics (formerly Invitae), Labcorp
Classification: Uncertain significance for Cenani-Lenz syndactyly syndrome; Sclerosteosis 2; Congenital myasthenic syndrome 17. Last evaluated: 2022-03-21. Review status: criteria provided, single submitter. Criteria: Invitae Variant Classification Sherloc (09022015). Collection method: clinical testing. Allele origin: germline.
Comment: This sequence change replaces arginine, which is basic and polar, with histidine, which is basic and polar, at codon 249 of the LRP4 protein (p.Arg249His). This variant is present in population databases (rs780066978, gnomAD 0.005%). This variant has not been reported in the literature in individuals affected with LRP4-related conditions. Algorithms developed to predict the effect of missense changes on protein structure and function output the following: SIFT: "Deleterious"; PolyPhen-2: "Benign"; Align-GVGD: "Class C0". The histidine amino acid residue is found in multiple mammalian species, which suggests that this missense change does not adversely affect protein function. In summary, the available evidence is currently insufficient to determine the role of this variant in disease. Therefore, it has been classified as a Variant of Uncertain Significance.

NM_002334.4(LRP4):c.746G>A (p.Arg249His)

Gene: LRP4 (LDL receptor related protein 4; minus strand). Cytogenetic location: 11p11.2.
Variant type: single nucleotide variant.
Coding change: c.746G>A on transcript NM_002334.4 (MANE Select); coding-DNA position 746, G replaced by A.
Protein change: p.Arg249His; replaces arginine 249 with histidine.
Molecular consequence: missense variant.
Genome position (GRCh38, 1-based): chr11:46,898,608, C>T on the plus strand (G>A on the coding strand, the complement: LRP4 is on the minus strand). VCF-style: chr11-46898608-C-T. GRCh37 (hg19) VCF-style: chr11-46920159-C-T.
Other names: c.746G>A (NM_002334.3); short protein forms R249H.
Identifiers: ClinVar variation 1405116 (VCV001405116.6), dbSNP rs780066978, ClinGen allele CA5970394.